The following is an entry in ClinVar:

ClinVar aggregate classification (germline): Uncertain significance (1 of 4 stars; one submission).

Submission:

Mayo Clinic Laboratories, Mayo Clinic
Classification: Uncertain significance. Last evaluated: 2024-03-15. Review status: criteria provided, single submitter. Criteria: ACMG Guidelines, 2015. Collection method: clinical testing. Allele origin: germline. Observed: 1 variant allele.
Comment: BP4

NM_024854.5(PYROXD1):c.749A>C (p.Glu250Ala)

Gene: PYROXD1 (pyridine nucleotide-disulphide oxidoreductase domain 1; plus strand). Cytogenetic location: 12p12.1.
Variant type: single nucleotide variant.
Coding change: c.749A>C on transcript NM_024854.5 (MANE Select); coding-DNA position 749, A replaced by C.
Protein change: p.Glu250Ala; replaces glutamic acid 250 with alanine.
Molecular consequence: missense variant. On other transcripts: 5 prime UTR variant (1).
Genome position (GRCh38, 1-based): chr12:21,456,094, A>C. VCF-style: chr12-21456094-A-C. GRCh37 (hg19) VCF-style: chr12-21609028-A-C.
Other names: p.Glu250Ala; c.536A>C, p.Glu179Ala (NM_001350912.2); c.-29A>C (NM_001350913.2); short protein forms E179A, E250A.
Identifiers: ClinVar variation 3380096 (VCV003380096.1).